The following is an entry in ClinVar:

NM_005228.5(EGFR):c.3271+49del

Gene: EGFR (epidermal growth factor receptor; plus strand). Cytogenetic location: 7p11.2.
Variant type: Deletion.
Coding change: c.3271+49del on transcript NM_005228.5 (MANE Select); 49 bases into the intron after coding-DNA position 3271, one base deleted (A; older notation c.3271+49delA).
Molecular consequence: intron variant. On other transcripts: frameshift variant (2).
Genome position (GRCh38, 1-based): chr7:55,202,674, A deleted. VCF-style (leftmost placement, unchanged base first): chr7-55202673-CA-C. GRCh37 (hg19) VCF-style: chr7-55270366-CA-C.
Other names: c.3185del, p.His1062fs (NM_001346897.2); c.3320del, p.His1107fs (NM_001346898.2); c.3136+49del (NM_001346899.2); c.2470+49del (NM_001346941.2); c.3112+49del (NM_001346900.2); short protein forms H1062fs, H1107fs.
Identifiers: ClinVar variation 997456 (VCV000997456.4), dbSNP rs17337514, ClinGen allele CA4266350.

ClinVar aggregate classification (germline): Uncertain significance. Review status: criteria provided, multiple submitters, no conflicts (2 of 4 stars). 3 submissions from 3 submitters: Uncertain significance (2). 1 of the submissions does not count toward it. Last evaluated 2021-10-29.

Conditions:
EGFR-related disorder. Also called: EGFR-related condition.
Lung cancer. Also called: Lung cancer, somatic; Malignant tumor of lung. Identifiers: MedGen C0242379, MONDO:0008903, OMIM 211980.
Hereditary cancer-predisposing syndrome. Also called: Neoplastic Syndromes, Hereditary; Hereditary Cancer Syndrome; Tumor predisposition; Hereditary neoplastic syndrome. Identifiers: Orphanet 140162, MedGen C0027672, MeSH D009386, MONDO:0015356.

Allele frequency attached by ClinVar (database versions not stated): gnomAD exomes 0.00014 and 0.00016; TOPMed 0.00015; gnomAD 0.00016 and 0.00017; ExAC 0.00021; ESP Exome Variant Server 0.00089.

Submissions (3):

Sema4
Classification: Uncertain significance for Hereditary cancer-predisposing syndrome. Last evaluated: 2021-10-29. Review status: criteria provided, single submitter. Criteria: Sema4 Curation Guidelines. Collection method: curation. Allele origin: germline.
Comment: The EGFR c.3271+49delA variant has been reported in at least one individual with cholangiocarcinoma and at least one individual with sarcoma (PMID: 29625052). This variant was observed in 3/9154 chromosomes in the Ashkenazi Jewish subpopulation in the large and broad cohorts of the Genome Aggregation Database (PMID: 32461654). This variant has been reported in ClinVar (Variation ID: 997456). The evidence is insufficient to meet ACMG/AMP criteria for classifying the variant as benign or pathogenic. Thus, the clinical significance of this variant is currently uncertain.

Baylor Genetics
Classification: Uncertain significance for Lung cancer. Last evaluated: 2020-08-28. Review status: criteria provided, single submitter. Criteria: ACMG Guidelines, 2015. Collection method: clinical testing. Allele origin: paternal. Affected: yes. Study: CSER-TexasKidsCanSeq.
Comment: This variant was determined to be of uncertain significance according to ACMG Guidelines, 2015 [PMID:25741868].

PreventionGenetics, part of Exact Sciences
Classification: Uncertain significance for EGFR-related condition. Last evaluated: 2024-09-10. Review status: no assertion criteria provided. Collection method: clinical testing. Allele origin: germline. Not counted in ClinVar's aggregate classification.
Comment: The EGFR c.3185delA variant is predicted to result in a frameshift and premature protein termination (p.His1062Profs*40). To our knowledge, this variant has not been reported in the literature. This variant is reported in 0.033% of alleles in individuals of Ashkenazi Jewish descent in gnomAD. At this time, the clinical significance of this variant is uncertain due to the absence of conclusive functional and genetic evidence.

Literature cited by the submitters: PubMed 29625052 (cited by Sema4).